The following is an entry in ClinVar:

NM_175914.5(HNF4A):c.931C>T (p.Arg311Cys)

Gene: HNF4A (hepatocyte nuclear factor 4 alpha; plus strand). Cytogenetic location: 20q13.12.
Variant type: single nucleotide variant.
Coding change: c.931C>T on transcript NM_175914.5 (MANE Select); coding-DNA position 931, C replaced by T.
Protein change: p.Arg311Cys; replaces arginine 311 with cysteine.
Molecular consequence: missense variant.
Genome position (GRCh38, 1-based): chr20:44,424,122, C>T. VCF-style: chr20-44424122-C-T. GRCh37 (hg19) VCF-style: chr20-43052762-C-T.
Other names: NM_175914.5(HNF4A):c.931C>T; p.Arg311Cys; c.997C>T, p.Arg333Cys (NM_000457.6, NM_178849.3, NM_178850.3); c.931C>T, p.Arg311Cys (NM_001030003.3, NM_001030004.3); c.976C>T, p.Arg326Cys (NM_001258355.2); c.922C>T, p.Arg308Cys (NM_001287182.2, NM_001287183.2, NM_001287184.2); short protein forms R311C, R333C, R308C, R326C.
Identifiers: ClinVar variation 36365 (VCV000036365.16), dbSNP rs193922480, ClinGen allele CA214003.

ClinVar aggregate classification (germline): Pathogenic. Review status: reviewed by expert panel (3 of 4 stars). 7 submissions from 7 submitters: Pathogenic (1). 6 of the submissions do not count toward it. Last evaluated 2024-07-28.

Conditions:
Monogenic diabetes. Identifiers: Orphanet 183625, MedGen C3888631, MONDO:0015967.
HNF4A-related disorder. Also called: HNF4A-related condition.
Maturity-onset diabetes of the young (MODY). Also called: Maturity onset diabetes mellitus in young. Identifiers: Orphanet 552, MedGen C0342276, MONDO:0018911, HP:0004904.
Maturity-onset diabetes of the young type 1. Also called: MODY, type I; HNF4A-Related Maturity-Onset Diabetes of the Young Type 1; MILD JUVENILE DIABETES MELLITUS; MODY type 1; Diabetes mellitus MODY type 1; MODY HNF4A related. Identifiers: Orphanet 552, MedGen C1852093, MONDO:0007452, OMIM 125850. Disease mechanism: loss of function.

Allele frequency attached by ClinVar (database versions not stated): gnomAD exomes below 0.00001; TOPMed 0.00001.

Submissions (7):

ClinGen Monogenic Diabetes Variant Curation Expert Panel
Classification: Pathogenic for Monogenic diabetes. Last evaluated: 2024-07-28. Review status: reviewed by expert panel. Criteria: ClinGen Diabetes ACMG Specifications HNF4A V2.0.0. Collection method: curation. Allele origin: germline. Inheritance: Autosomal dominant inheritance.
Comment: The c.931C>T variant in the hepatocyte nuclear factor 4-alpha gene, HNF4A, causes an amino acid change of arginine to cysteine at codon 311 (p.(Arg311Cys)) of NM_175914.5. This variant is located within the ligand-binding domain (codons 180-220 and 300-350 of HNF4A, which is defined as critical for the protein’s function by the ClinGen MDEP (PM1_Supporting). This variant is predicted to be deleterious by computational evidence, with a REVEL score of 0.976, which is greater than the MDEP VCEP threshold of 0.70 (PP3). This variant is absent from gnomAD v2.1.1 (PM2_Supporting). This variant was identified in at least 13 unrelated individuals with non- autoimmune and non-absolute/near-absolute insulin-deficient diabetes (PS4; PMIDS: 29417725, 28862987, 36257325, 35089870, internal lab contributors). This variant was identified in 2 individuals with a clinical history highly specific for HNF4A-monogenic diabetes (MODY probability calculator result >50%, negative genetic testing for HNF1A, and negative antibodies) (PP4_Moderate; PMID: 28862987, internal lab contributors). One of these 2 cases was a a de novo occurrence with unconfirmed parental relationships (PS2_Moderate; PMID: 28862987). In summary, c.931C>T meets the criteria to be classified as pathogenic for monogenic diabetes. ACMG/AMP criteria applied, as specified by the ClinGen MDEP (specification version 2.0.0 approved 10/11/2023): PS4, PP4_Moderate, PS2_Moderate, PP3, PM1_Supporting, PM2_Supporting.

PreventionGenetics, part of Exact Sciences
Classification: Pathogenic for HNF4A-related condition. Last evaluated: 2026-02-18. Review status: criteria provided, single submitter. Criteria: ACMG Guidelines, 2015. Collection method: clinical testing. Allele origin: germline. Not counted in ClinVar's aggregate classification.
Comment: The HNF4A c.931C>T variant is predicted to result in the amino acid substitution p.Arg311Cys. This variant is also referred to in the literature as c.970C>T, p.Arg324Cys. It has been reported in individuals with maturity onset diabetes of the young (MODY), including one in whom it occurred de novo (see, for example: Yorifuji et al. 2012. PubMed ID: 22060211; Globa et al. 2017. PubMed ID: 28862987; Table S3, Mirshahi et al. 2022. PubMed ID: 36257325). This variant has not been reported in a large population database, indicating it is rare. This variant has been reviewed by the ClinGen Monogenic Diabetes Variant Curation Expert Panel expert panel and is interpreted as pathogenic (Variation ID: 36365). This variant is interpreted as pathogenic.

GeneDx
Classification: Likely pathogenic. Last evaluated: 2025-05-01. Review status: criteria provided, single submitter. Criteria: GeneDx Variant Classification Process June 2021. Collection method: clinical testing. Allele origin: germline. Affected: yes. Not counted in ClinVar's aggregate classification.
Comment: Not observed at significant frequency in large population cohorts (gnomAD); In silico analysis supports that this missense variant has a deleterious effect on protein structure/function; This variant is associated with the following publications: (PMID: 29417725, 36257325, 31704690, 34556497, 22060211, 35089870, 28862987)

Labcorp Genetics (formerly Invitae), Labcorp
Classification: Pathogenic. Last evaluated: 2024-10-24. Review status: criteria provided, single submitter. Criteria: Invitae Variant Classification Sherloc (09022015). Collection method: clinical testing. Allele origin: germline. Not counted in ClinVar's aggregate classification.
Comment: This sequence change replaces arginine, which is basic and polar, with cysteine, which is neutral and slightly polar, at codon 311 of the HNF4A protein (p.Arg311Cys). This variant is not present in population databases (gnomAD no frequency). This missense change has been observed in individual(s) with maturity onset diabetes of the young (PMID: 22060211, 28862987, 35089870). In at least one individual the variant was observed to be de novo. This variant is also known as R324C. ClinVar contains an entry for this variant (Variation ID: 36365). Invitae Evidence Modeling of protein sequence and biophysical properties (such as structural, functional, and spatial information, amino acid conservation, physicochemical variation, residue mobility, and thermodynamic stability) has been performed for this missense variant. However, the output from this modeling did not meet the statistical confidence thresholds required to predict the impact of this variant on HNF4A protein function. This variant disrupts the p.Arg311 amino acid residue in HNF4A. Other variant(s) that disrupt this residue have been determined to be pathogenic (PMID: 10768098, 25414397, 26059258, 32533152, 36227502, 36257325). This suggests that this residue is clinically significant, and that variants that disrupt this residue are likely to be disease-causing. For these reasons, this variant has been classified as Pathogenic.

Women's Health and Genetics/Laboratory Corporation of America, LabCorp
Classification: Pathogenic for Maturity-onset diabetes of the young. Last evaluated: 2022-12-08. Review status: criteria provided, single submitter. Criteria: LabCorp Variant Classification Summary - May 2015. Collection method: clinical testing. Allele origin: germline. Not counted in ClinVar's aggregate classification.
Comment: Variant summary: HNF4A c.931C>T (p.Arg311Cys) results in a non-conservative amino acid change located in the Nuclear hormone receptor, ligand-binding domain (IPR000536) of the encoded protein sequence. This variant is also referred as HNF4A c.997C>T (p.Arg333Cys). Five of five in-silico tools predict a damaging effect of the variant on protein function. The variant was absent in 248874 control chromosomes (gnomAD). c.931C>T has been reported in the literature in multiple individuals affected with Maturity Onset Diabetes Of The Young 1/Neonatal Diabetes Mellitus (examples: Yorifuji_2012, Globa_2017, Johnson_2017, Carlson_2020, and Saint-Martin_2022). Other variants affecting the same amino acid residue (R311H/R311P/R311S) is associated with diabetes/MODY in HGMD. These data indicate that the variant is very likely to be associated with disease. To our knowledge, no experimental evidence demonstrating an impact on protein function has been reported. Two clinical diagnostic laboratories have submitted clinical-significance assessments for this variant to ClinVar after 2014 and all classified the variant as uncertain significance. Based on the evidence outlined above, the variant was classified as pathogenic.

Athena Diagnostics
Classification: Uncertain significance. Last evaluated: 2018-08-31. Review status: criteria provided, single submitter. Criteria: Athena Diagnostics Criteria. Collection method: clinical testing. Allele origin: germline. Not counted in ClinVar's aggregate classification.

Juno Genomics, Hangzhou Juno Genomics, Inc
Classification: Pathogenic for Maturity-onset diabetes of the young type 1. Review status: criteria provided, single submitter. Criteria: ACMG Guidelines, 2015. Collection method: clinical testing. Allele origin: germline. Not counted in ClinVar's aggregate classification.
Comment: Absent from controls (or at extremely low frequency if recessive) in Genome Aggregation Database.;Located in a mutational hot spot and/or critical and well-established functional domain without benign variation.;The prevalence of the variant in affected individuals is significantly increased compared to the prevalence in controls.;Assumed de novo, but without confirmation of paternity and maternity.;Patient's phenotype or family history is highly specific for a disease with a single genetic etiology.;Multiple lines of computational evidence support a deleterious effect on the gene or gene product.

Literature cited by the submitters: PubMed 22060211 (cited by 3 submitters); PubMed 28862987 (cited by Labcorp Genetics (formerly Invitae), Labcorp and Women's Health and Genetics/Laboratory Corporation of America, LabCorp); PubMed 35089870 (cited by Labcorp Genetics (formerly Invitae), Labcorp); PubMed 10768098 (cited by Labcorp Genetics (formerly Invitae), Labcorp); PubMed 25414397 (cited by Labcorp Genetics (formerly Invitae), Labcorp); PubMed 26059258 (cited by Labcorp Genetics (formerly Invitae), Labcorp); PubMed 32533152 (cited by Labcorp Genetics (formerly Invitae), Labcorp); PubMed 36227502 (cited by Labcorp Genetics (formerly Invitae), Labcorp); PubMed 36257325 (cited by Labcorp Genetics (formerly Invitae), Labcorp); PubMed 29417725 (cited by Women's Health and Genetics/Laboratory Corporation of America, LabCorp); PubMed 34556497 (cited by Women's Health and Genetics/Laboratory Corporation of America, LabCorp); PubMed 31704690 (cited by Women's Health and Genetics/Laboratory Corporation of America, LabCorp).